The following is an entry in ClinVar:

ClinVar aggregate classification (germline): Uncertain significance (1 of 4 stars; one submission).

Conditions:
Combined immunodeficiency with skin granulomas. Identifiers: Orphanet 157949, MedGen C2673536, MONDO:0009306, OMIM 233650.
Severe combined immunodeficiency, autosomal recessive, T cell-negative, B cell-negative, NK cell-positive. Also called: SCID, AR, T-cell negative, B-cell negative, NK cell-positive; SCID, T CELL-NEGATIVE, B CELL-NEGATIVE, NK CELL-POSITIVE; Severe combined immunodeficiency due to complete RAG1/2 deficiency. Identifiers: Orphanet 331206, MedGen C1832322, MONDO:0011086, OMIM 601457.

Allele frequency attached by ClinVar (database versions not stated): ExAC 0.00003; gnomAD 0.00003 and 0.00004; TOPMed 0.00003; gnomAD exomes 0.00004 and 0.00010; ESP Exome Variant Server 0.00008.
gnomAD v4.1: 144 of 1,613,956 alleles (0.0089%); highest among the groups gnomAD compares: Non-Finnish European, 0.012%; no homozygotes.

Submission:

Labcorp Genetics (formerly Invitae), Labcorp
Classification: Uncertain significance for Combined immunodeficiency with skin granulomas; Severe combined immunodeficiency, autosomal recessive, T cell-negative, B cell-negative, NK cell-positive. Last evaluated: 2021-09-08. Review status: criteria provided, single submitter. Criteria: Invitae Variant Classification Sherloc (09022015). Collection method: clinical testing. Allele origin: germline.
Comment: This sequence change replaces histidine with tyrosine at codon 1009 of the RAG1 protein (p.His1009Tyr). The histidine residue is highly conserved and there is a moderate physicochemical difference between histidine and tyrosine. This variant is present in population databases (rs376829075, ExAC 0.01%). This variant has not been reported in the literature in individuals affected with RAG1-related conditions. Algorithms developed to predict the effect of missense changes on protein structure and function are either unavailable or do not agree on the potential impact of this missense change (SIFT: "Deleterious"; PolyPhen-2: "Possibly Damaging"; Align-GVGD: "Class C0"). In summary, the available evidence is currently insufficient to determine the role of this variant in disease. Therefore, it has been classified as a Variant of Uncertain Significance.

NM_000448.3(RAG1):c.3025C>T (p.His1009Tyr)

Gene: RAG1 (recombination activating 1; plus strand). Cytogenetic location: 11p12.
Variant type: single nucleotide variant.
Coding change: c.3025C>T on transcript NM_000448.3 (MANE Select); coding-DNA position 3025, C replaced by T.
Protein change: p.His1009Tyr; replaces histidine 1009 with tyrosine.
Molecular consequence: missense variant.
Genome position (GRCh38, 1-based): chr11:36,576,329, C>T. VCF-style: chr11-36576329-C-T. GRCh37 (hg19) VCF-style: chr11-36597879-C-T.
Other names: c.3025C>T, p.His1009Tyr (NM_001377277.1, NM_001377278.1, NM_001377279.1 and 1 more transcripts); short protein forms H1009Y.
Identifiers: ClinVar variation 856075 (VCV000856075.5), dbSNP rs376829075, ClinGen allele CA5950357.